The following is an entry in ClinVar:

ClinVar aggregate classification (germline): Pathogenic (1 of 4 stars; one submission).

Conditions:
Spastic paraplegia. Identifiers: MedGen C0037772, HP:0001258.

Submission:

Labcorp Genetics (formerly Invitae), Labcorp
Classification: Pathogenic for Spastic paraplegia. Last evaluated: 2024-02-13. Review status: criteria provided, single submitter. Criteria: Invitae Variant Classification Sherloc (09022015). Collection method: clinical testing. Allele origin: germline.
Comment: This sequence change creates a premature translational stop signal (p.Lys4439Glnfs*26) in the SACS gene. While this is not anticipated to result in nonsense mediated decay, it is expected to disrupt the last 141 amino acid(s) of the SACS protein. This variant is not present in population databases (gnomAD no frequency). This variant has not been reported in the literature in individuals affected with SACS-related conditions. This variant disrupts a region of the SACS protein in which other variant(s) (p.Asn4549Asp) have been determined to be pathogenic (PMID: 15156359; 21507954)). This suggests that this is a clinically significant region of the protein, and that variants that disrupt it are likely to be disease-causing. For these reasons, this variant has been classified as Pathogenic.

Literature cited by the submitters: PubMed 15156359; PubMed 21507954.

NM_014363.6(SACS):c.13313dup (p.Lys4439fs)

Gene: SACS (sacsin molecular chaperone; minus strand). Cytogenetic location: 13q12.12.
Variant type: Duplication.
Coding change: c.13313dup on transcript NM_014363.6 (MANE Select); coding-DNA position 13313, one base duplicated (T; older notation c.13313dupT).
Protein change: p.Lys4439fs; shifts the reading frame from lysine 4439.
Molecular consequence: frameshift variant.
Genome position (GRCh38, 1-based): chr13:23,330,563, A duplicated on the plus strand (T on the coding strand, the reverse complement: SACS is on the minus strand); the first of 3 consecutive A bases (chr13:23,330,563-23,330,565); duplicating any one gives the same sequence. VCF-style (leftmost placement, unchanged base first): chr13-23330562-G-GA. GRCh37 (hg19) VCF-style: chr13-23904701-G-GA.
Other names: c.12872dup, p.Lys4292fs (NM_001278055.2); short protein forms K4439fs, K4292fs.
Identifiers: ClinVar variation 3640485 (VCV003640485.2).
Genomic context (GRCh38, chr13:23,330,562, plus strand): 5'-GAAGTTTGCTCTGGCTTGTCTTAGCCATCTGCGTGCTTCCACTGGATTGCCAACCGACTT[G>GA]AAAGTGGGAGGAACAAAGAACCTTTGAGAGTAAGTCTGTCCGGCTGAAGGGGGGCATTTT-3'